The following is an entry in ClinVar:

ClinVar aggregate classification (germline): Benign/Likely benign. Review status: criteria provided, multiple submitters, no conflicts (2 of 4 stars). 3 submissions from 3 submitters: Benign (2); Likely benign (1). Last evaluated 2025-01-15.

Conditions:
Melnick-Needles syndrome (MNS). Also called: MELNICK-NEEDLES OSTEODYSPLASTY; Melnick-Needles Syndrome (FLNA-MNS); OSTEODYSPLASTY OF MELNICK AND NEEDLES. Identifiers: Orphanet 2484, MedGen C0025237, MONDO:0010650, OMIM 309350.
Frontometaphyseal dysplasia (FMD1). Identifiers: Orphanet 1826, MedGen C0265293, MONDO:0015942.
Heterotopia, periventricular, X-linked dominant (PVNH1). Also called: PERIVENTRICULAR NODULAR HETEROTOPIA 4; HETEROTOPIA, PERIVENTRICULAR, 1; PERIVENTRICULAR NODULAR HETEROTOPIA 1; X-linked periventricular heterotopia. Identifiers: Orphanet 2149, Orphanet 82004, MedGen C1848213, MONDO:0010233, OMIM 300049.
Oto-palato-digital syndrome, type II (OPD2). Also called: Otopalatodigital Syndrome Type 2 (FLNA-OPD2); FACIOPALATOOSSEOUS SYNDROME; OPD II SYNDROME; Otopalatodigital Syndrome, Type II. Identifiers: Orphanet 669, Orphanet 90652, MedGen C1844696, MONDO:0010571, OMIM 304120.
Familial thoracic aortic aneurysm and aortic dissection (TAAD). Also called: Thoracic aortic aneurysms and dissections. Identifiers: Orphanet 91387, MedGen C4707243, MONDO:0019625.

Allele frequency attached by ClinVar (database versions not stated): gnomAD exomes 0.00004 and 0.00001; ExAC 0.00001; TOPMed 0.00001.

Submissions (3):

Labcorp Genetics (formerly Invitae), Labcorp
Classification: Benign for Oto-palato-digital syndrome, type II; Heterotopia, periventricular, X-linked dominant; Frontometaphyseal dysplasia; Melnick-Needles syndrome. Last evaluated: 2025-01-15. Review status: criteria provided, single submitter. Criteria: Invitae Variant Classification Sherloc (09022015). Collection method: clinical testing. Allele origin: germline.

Ambry Genetics
Classification: Benign for Familial thoracic aortic aneurysm and aortic dissection. Last evaluated: 2017-12-18. Review status: criteria provided, single submitter. Criteria: Ambry Variant Classification Scheme 2023. Collection method: clinical testing. Allele origin: germline.

GeneDx
Classification: Likely benign. Last evaluated: 2017-06-02. Review status: criteria provided, single submitter. Criteria: GeneDx Variant Classification (06012015). Collection method: clinical testing. Allele origin: germline. Affected: yes.
Comment: This variant is considered likely benign or benign based on one or more of the following criteria: it is a conservative change, it occurs at a poorly conserved position in the protein, it is predicted to be benign by multiple in silico algorithms, and/or has population frequency not consistent with disease.

NM_001110556.2(FLNA):c.1092C>T (p.His364=)

Gene: FLNA (filamin A; minus strand). Cytogenetic location: Xq28.
Variant type: single nucleotide variant.
Coding change: c.1092C>T on transcript NM_001110556.2 (MANE Select); coding-DNA position 1092, C replaced by T.
Protein change: p.His364=; no amino-acid change (histidine 364 retained).
Molecular consequence: synonymous variant.
Genome position (GRCh38, 1-based): chrX:154,366,444, G>A on the plus strand (C>T on the coding strand, the complement: FLNA is on the minus strand). VCF-style: chrX-154366444-G-A. GRCh37 (hg19) VCF-style: chrX-153594812-G-A.
Other names: c.1092C>T, p.His364= (NM_001456.4).
Identifiers: ClinVar variation 509800 (VCV000509800.8), dbSNP rs782530005, ClinGen allele CA10561263.